The following is an entry in ClinVar:

ClinVar aggregate classification (germline): Uncertain significance. Review status: criteria provided, multiple submitters, no conflicts (2 of 4 stars). 3 submissions from 3 submitters: Uncertain significance (3). Last evaluated 2024-04-10.

Conditions:
Malignant hyperthermia, susceptibility to, 5 (MHS5). Also called: CACNA1S-Related Malignant Hyperthermia Susceptibility. Identifiers: Orphanet 423, MedGen C1866077, MONDO:0011163, OMIM 601887.
Congenital myopathy 18. Also called: Myopathy, congenital, due to dihydropyridine receptor defect; DIHYDROPYRIDINE RECEPTOR CONGENITAL MYOPATHY; DHPR CONGENITAL MYOPATHY. Identifiers: MedGen C5830283, MONDO:0859514, OMIM 620246.
Hypokalemic periodic paralysis, type 1. Also called: HypoPP; Hypokalemic Periodic Paralysis Type 1 (AD). Identifiers: Orphanet 681, MedGen C3714580, MONDO:0042979, OMIM 170400.
Thyrotoxic periodic paralysis, susceptibility to, 1 (TTPP1). Identifiers: Orphanet 79102, MedGen C2749982, MONDO:0008570, OMIM 188580.

Allele frequency attached by ClinVar (database versions not stated): TOPMed 0.00001.
gnomAD v4.1: 9 of 1,614,138 alleles (0.00056%); highest among the groups gnomAD compares: South Asian, 0.0055%; no homozygotes.

Submissions (3):

Fulgent Genetics
Classification: Uncertain significance for Hypokalemic periodic paralysis, type 1; Thyrotoxic periodic paralysis, susceptibility to, 1; Malignant hyperthermia, susceptibility to, 5; Congenital myopathy 18. Last evaluated: 2024-04-10. Review status: criteria provided, single submitter. Criteria: ACMG Guidelines, 2015. Collection method: clinical testing. Allele origin: germline.

All of Us Research Program, National Institutes of Health
Classification: Uncertain significance for Malignant hyperthermia, susceptibility to, 5. Last evaluated: 2023-10-02. Review status: criteria provided, single submitter. Criteria: ACMG Guidelines, 2015. Collection method: clinical testing. Allele origin: germline. Inheritance: Autosomal dominant inheritance. Observed: 1 variant allele, 1 heterozygote.
Comment: This study involves interpretation of variants in research participants for the purpose of population health screening. Participant phenotype was not available at the time of variant classification. Additional details can be found in publication PMID: 35346344, PMCID: PMC8962531

Labcorp Genetics (formerly Invitae), Labcorp
Classification: Uncertain significance for Hypokalemic periodic paralysis, type 1; Malignant hyperthermia, susceptibility to, 5. Last evaluated: 2022-07-25. Review status: criteria provided, single submitter. Criteria: Invitae Variant Classification Sherloc (09022015). Collection method: clinical testing. Allele origin: germline.
Comment: This sequence change creates a premature translational stop signal (p.Arg1836*) in the CACNA1S gene. While this is not anticipated to result in nonsense mediated decay, it is expected to disrupt the last 38 amino acid(s) of the CACNA1S protein. This variant is present in population databases (no rsID available, gnomAD 0.006%). This variant has not been reported in the literature in individuals affected with CACNA1S-related conditions. In summary, the available evidence is currently insufficient to determine the role of this variant in disease. Therefore, it has been classified as a Variant of Uncertain Significance.

NM_000069.3(CACNA1S):c.5506C>T (p.Arg1836Ter)

Gene: CACNA1S (calcium voltage-gated channel subunit alpha1 S; minus strand). Cytogenetic location: 1q32.1.
Variant type: single nucleotide variant.
Coding change: c.5506C>T on transcript NM_000069.3 (MANE Select); coding-DNA position 5506, C replaced by T.
Protein change: p.Arg1836Ter; replaces arginine 1836 with a stop codon.
Molecular consequence: nonsense.
Genome position (GRCh38, 1-based): chr1:201,039,947, G>A on the plus strand (C>T on the coding strand, the complement: CACNA1S is on the minus strand). VCF-style: chr1-201039947-G-A. GRCh37 (hg19) VCF-style: chr1-201009075-G-A.
Other names: short protein forms R1836*.
Identifiers: ClinVar variation 2196105 (VCV002196105.3), dbSNP rs926000507, ClinGen allele CA35989016.